The following is an entry in ClinVar:

NM_001330260.2(SCN8A):c.1637C>T (p.Ser546Leu)

Gene: SCN8A (sodium voltage-gated channel alpha subunit 8; plus strand). Cytogenetic location: 12q13.13.
Variant type: single nucleotide variant.
Coding change: c.1637C>T on transcript NM_001330260.2 (MANE Select); coding-DNA position 1637, C replaced by T.
Protein change: p.Ser546Leu; replaces serine 546 with leucine.
Molecular consequence: missense variant.
Genome position (GRCh38, 1-based): chr12:51,721,547, C>T. VCF-style: chr12-51721547-C-T. GRCh37 (hg19) VCF-style: chr12-52115331-C-T.
Other names: c.1637C>T, p.Ser546Leu (NM_001177984.3, NM_001369788.1, NM_014191.4); short protein forms S546L.
Identifiers: ClinVar variation 2758956 (VCV002758956.3), dbSNP rs2540203813, ClinGen allele CA385229264.

ClinVar aggregate classification (germline): Uncertain significance (1 of 4 stars; one submission).

Conditions:
Early-infantile DEE. Also called: Ohtahara syndrome; Early infantile epileptic encephalopathy; Early infantile epileptic encephalopathy with suppression bursts. Identifiers: Orphanet 1934, MedGen C0393706, MONDO:0800491.

Submission:

Labcorp Genetics (formerly Invitae), Labcorp
Classification: Uncertain significance for Early-infantile DEE. Last evaluated: 2023-11-17. Review status: criteria provided, single submitter. Criteria: Invitae Variant Classification Sherloc (09022015). Collection method: clinical testing. Allele origin: germline.
Comment: This sequence change replaces serine, which is neutral and polar, with leucine, which is neutral and non-polar, at codon 546 of the SCN8A protein (p.Ser546Leu). This variant is not present in population databases (gnomAD no frequency). This variant has not been reported in the literature in individuals affected with SCN8A-related conditions. An algorithm developed to predict the effect of missense changes on protein structure and function (PolyPhen-2) suggests that this variant is likely to be disruptive. In summary, the available evidence is currently insufficient to determine the role of this variant in disease. Therefore, it has been classified as a Variant of Uncertain Significance.